The following is an entry in ClinVar:

ClinVar aggregate classification (germline): Uncertain significance. Review status: criteria provided, multiple submitters, no conflicts (2 of 4 stars). 2 submissions from 2 submitters: Uncertain significance (2). Last evaluated 2023-05-19.

Conditions:
Treacher Collins syndrome 1 (TCS1). Also called: TCOF1-Related Treacher Collins Syndrome. Identifiers: Orphanet 861, MedGen CN315775, MONDO:0007944, OMIM 154500.

Allele frequency attached by ClinVar (database versions not stated): ExAC 0.00001; gnomAD exomes 0.00001.
gnomAD v4.1: 14 of 1,614,064 alleles (0.00087%); highest among the groups gnomAD compares: Non-Finnish European, 0.0011%; no homozygotes.

Submissions (2):

Blueprint Genetics
Classification: Uncertain significance. Last evaluated: 2023-05-19. Review status: criteria provided, single submitter. Criteria: ACMG Guidelines, 2015. Collection method: clinical testing. Allele origin: germline.

Labcorp Genetics (formerly Invitae), Labcorp
Classification: Uncertain significance for Treacher Collins syndrome 1. Last evaluated: 2023-03-17. Review status: criteria provided, single submitter. Criteria: Invitae Variant Classification Sherloc (09022015). Collection method: clinical testing. Allele origin: germline.
Comment: In summary, the available evidence is currently insufficient to determine the role of this variant in disease. Therefore, it has been classified as a Variant of Uncertain Significance. An algorithm developed to predict the effect of missense changes on protein structure and function (PolyPhen-2) suggests that this variant is likely to be tolerated. This variant has not been reported in the literature in individuals affected with TCOF1-related conditions. This variant is present in population databases (rs751528955, gnomAD 0.0009%). This sequence change replaces serine, which is neutral and polar, with leucine, which is neutral and non-polar, at codon 1204 of the TCOF1 protein (p.Ser1204Leu).

NM_001371623.1(TCOF1):c.3614C>T (p.Ser1205Leu)

Gene: TCOF1 (treacle ribosome biogenesis factor 1; plus strand). Cytogenetic location: 5q32.
Variant type: single nucleotide variant.
Coding change: c.3614C>T on transcript NM_001371623.1 (MANE Select); coding-DNA position 3614, C replaced by T.
Protein change: p.Ser1205Leu; replaces serine 1205 with leucine.
Molecular consequence: missense variant.
Genome position (GRCh38, 1-based): chr5:150,393,382, C>T. VCF-style: chr5-150393382-C-T. GRCh37 (hg19) VCF-style: chr5-149772945-C-T.
Other names: c.3380C>T, p.Ser1127Leu (NM_000356.4); c.3611C>T, p.Ser1204Leu (NM_001135243.2); c.3500C>T, p.Ser1167Leu (NM_001135244.2); c.3383C>T, p.Ser1128Leu (NM_001135245.2); c.3497C>T, p.Ser1166Leu (NM_001195141.2); short protein forms S1127L, S1167L, S1204L, S1128L, S1205L, S1166L.
Identifiers: ClinVar variation 2699957 (VCV002699957.4), dbSNP rs751528955, ClinGen allele CA3511563.